The following is an entry in ClinVar:

ClinVar aggregate classification (germline): Pathogenic. Review status: criteria provided, multiple submitters, no conflicts (2 of 4 stars). 3 submissions from 3 submitters: Pathogenic (2). 1 of the submissions does not count toward it. Last evaluated 2025-11-27.

Conditions:
Congenital muscular dystrophy due to LMNA mutation. Also called: Congenital muscular dystrophy, LMNA-related; Lamin A-related Congenital Muscular Dystrophy. Identifiers: Orphanet 157973, MedGen C2750785, MONDO:0013178, OMIM 613205.
Charcot-Marie-Tooth disease type 2. Also called: Charcot-Marie-Tooth type 2. Identifiers: Orphanet 64746, MedGen C0270914, MONDO:0018993.

Submissions (3):

3billion
Classification: Pathogenic for Congenital muscular dystrophy due to LMNA mutation. Last evaluated: 2025-11-27. Review status: criteria provided, single submitter. Criteria: ACMG Guidelines, 2015. Collection method: clinical testing. Allele origin: germline. Affected: yes.
Comment: The variant is not observed in the gnomAD v4.1.0 dataset. Predicted Consequence/Location: Inframe deletion located in a nonrepeat region: predicted to change the length of the protein and disrupt normal protein function. The variant has been observed in at least two similarly affected unrelated individuals (PMID: 26098624, 27876398). The variant has been previously reported as assumed (i.e. paternity and maternity not confirmed) de novo in at least two similarly affected unrelated individuals (PMID: 26098624, 27876398). The variant has been reported to be associated with LMNA-related disorder (ClinVar ID: VCV000218376 /PMID: 26098624). Therefore, this variant is classified as Pathogenic according to the recommendation of ACMG/AMP guideline.

Labcorp Genetics (formerly Invitae), Labcorp
Classification: Pathogenic for Charcot-Marie-Tooth disease type 2. Last evaluated: 2021-10-03. Review status: criteria provided, single submitter. Criteria: Invitae Variant Classification Sherloc (09022015). Collection method: clinical testing. Allele origin: germline.
Comment: ClinVar contains an entry for this variant (Variation ID: 218376). This variant, c.91_93del, results in the deletion of 1 amino acid(s) of the LMNA protein (p.Glu31del), but otherwise preserves the integrity of the reading frame. This variant is not present in population databases (ExAC no frequency). This variant has been observed in individual(s) with Lamin A/C-related congenital muscular dystrophy (PMID: 26098624, 27876398). In at least one individual the variant was observed to be de novo. This variant disrupts the p.Glu31 amino acid residue in LMNA. Other variant(s) that disrupt this residue have been determined to be pathogenic (PMID: 22491857, 26098624). This suggests that this residue is clinically significant, and that variants that disrupt this residue are likely to be disease-causing. For these reasons, this variant has been classified as Pathogenic.

Foundation for Research in Genetics and Endocrinology, FRIGE's Institute of Human Genetics
Classification: Likely pathogenic for Congenital muscular dystrophy due to LMNA mutation. Last evaluated: 2015-07-01. Review status: no assertion criteria provided. Collection method: clinical testing. Allele origin: unknown. Inheritance: Autosomal dominant inheritance. Affected: yes. Observed: 1 variant allele, 1 heterozygote. Not counted in ClinVar's aggregate classification.
Comment: Variant was found to be pathogenic by online software, including MutationTaster and SIFT.

Literature cited by the submitters: PubMed 26098624 (cited by 3billion and Labcorp Genetics (formerly Invitae), Labcorp); PubMed 27876398 (cited by 3billion and Labcorp Genetics (formerly Invitae), Labcorp); PubMed 22491857 (cited by Labcorp Genetics (formerly Invitae), Labcorp).

NM_170707.4(LMNA):c.91_93del (p.Glu31del)

Genes: LMNA (lamin A/C; plus strand), LOC129931597 (ATAC-STARR-seq lymphoblastoid silent region 1421; plus strand). Cytogenetic location: 1q22.
Variant type: Deletion.
Coding change: c.91_93del on transcript NM_170707.4 (MANE Select); coding-DNA positions 91 to 93, 3 bases deleted (GAG; older notation c.91_93delGAG).
Protein change: p.Glu31del; deletes glutamic acid 31.
Molecular consequence: inframe deletion.
Genome position (GRCh38, 1-based): chr1:156,115,009-156,115,011, GAG deleted; deleting any 3 consecutive bases within chr1:156,115,007-156,115,011 gives the same sequence; the c. name uses the placement nearest the transcript's 3' end. VCF-style (leftmost placement, unchanged base first): chr1-156115006-CAGG-C. GRCh37 (hg19) VCF-style: chr1-156084797-CAGG-C.
Other names: c.91_93del, p.Glu31del (NM_001282625.2, NM_001282626.2, NM_005572.4 and 1 more transcripts); c.91_93del (NM_170707.3); short protein forms E31del.
Identifiers: ClinVar variation 218376 (VCV000218376.12), dbSNP rs864309525, ClinGen allele CA277863.
Genomic context (GRCh38, chr1:156,115,006, plus strand): 5'-ACCCGCAGCGGGGCGCAGGCCAGCTCCACTCCGCTGTCGCCCACCCGCATCACCCGGCTG[CAGG>C]AGAAGGAGGACCTGCAGGAGCTCAATGATCGCTTGGCGGTCTACATCGACCGTGTGCGCT-3'